The following is an entry in ClinVar:

ClinVar aggregate classification (germline): Uncertain significance. Review status: criteria provided, multiple submitters, no conflicts (2 of 4 stars). 5 submissions from 5 submitters: Uncertain significance (5). Last evaluated 2025-06-20.

Conditions:
Hereditary nonpolyposis colorectal neoplasms. Identifiers: MedGen C0009405, MeSH D003123.
Lynch syndrome. Identifiers: Orphanet 144, MedGen C4552100, MONDO:0005835. Disease mechanism: loss of function.
Hereditary cancer-predisposing syndrome. Also called: Neoplastic Syndromes, Hereditary; Tumor predisposition; Hereditary Cancer Syndrome; Hereditary neoplastic syndrome. Identifiers: Orphanet 140162, MedGen C0027672, MeSH D009386, MONDO:0015356.

Allele frequency attached by ClinVar (database versions not stated): gnomAD exomes below 0.00001.
gnomAD v4.1: 1 of 1,613,912 alleles (0.000062%); highest among the groups gnomAD compares: Middle Eastern, 0.017%; no homozygotes.

Submissions (5):

GeneDx
Classification: Uncertain significance. Last evaluated: 2025-06-20. Review status: criteria provided, single submitter. Criteria: GeneDx Variant Classification Process June 2021. Collection method: clinical testing. Allele origin: germline. Affected: yes.
Comment: Not observed at significant frequency in large population cohorts (gnomAD); In silico analysis suggests that this missense variant does not alter protein structure/function; This variant is associated with the following publications: (PMID: 36243179, 21437237)

Ambry Genetics
Classification: Uncertain significance for Hereditary cancer-predisposing syndrome. Last evaluated: 2025-01-18. Review status: criteria provided, single submitter. Criteria: Ambry Variant Classification Scheme 2023. Collection method: clinical testing. Allele origin: germline.
Comment: The p.Q236K variant (also known as c.706C>A), located in coding exon 4 of the MSH6 gene, results from a C to A substitution at nucleotide position 706. The glutamine at codon 236 is replaced by lysine, an amino acid with similar properties. This amino acid position is not well conserved in available vertebrate species. In addition, this alteration is predicted to be tolerated by in silico analysis. Based on the available evidence, the clinical significance of this variant remains unclear.

Labcorp Genetics (formerly Invitae), Labcorp
Classification: Uncertain significance for Hereditary nonpolyposis colorectal neoplasms. Last evaluated: 2024-09-14. Review status: criteria provided, single submitter. Criteria: Invitae Variant Classification Sherloc (09022015). Collection method: clinical testing. Allele origin: germline.
Comment: This sequence change replaces glutamine, which is neutral and polar, with lysine, which is basic and polar, at codon 236 of the MSH6 protein (p.Gln236Lys). This variant is not present in population databases (gnomAD no frequency). This variant has not been reported in the literature in individuals affected with MSH6-related conditions. ClinVar contains an entry for this variant (Variation ID: 922073). Invitae Evidence Modeling of protein sequence and biophysical properties (such as structural, functional, and spatial information, amino acid conservation, physicochemical variation, residue mobility, and thermodynamic stability) indicates that this missense variant is not expected to disrupt MSH6 protein function with a negative predictive value of 95%. In summary, the available evidence is currently insufficient to determine the role of this variant in disease. Therefore, it has been classified as a Variant of Uncertain Significance.

Color Diagnostics, LLC DBA Color Health
Classification: Uncertain significance for Hereditary cancer-predisposing syndrome. Last evaluated: 2024-03-06. Review status: criteria provided, single submitter. Criteria: ACMG Guidelines, 2015. Collection method: clinical testing. Allele origin: germline.
Comment: This missense variant replaces glutamine with lysine at codon 236 of the MSH6 protein. Computational prediction suggests that this variant may not impact protein structure and function (internally defined REVEL score threshold <= 0.5, PMID: 27666373). To our knowledge, functional studies have not been reported for this variant. This variant has not been reported in individuals affected with MSH6-related disorders in the literature. This variant has not been identified in the general population by the Genome Aggregation Database (gnomAD). The available evidence is insufficient to determine the role of this variant in disease conclusively. Therefore, this variant is classified as a Variant of Uncertain Significance.

All of Us Research Program, National Institutes of Health
Classification: Uncertain significance for Lynch syndrome. Last evaluated: 2023-11-02. Review status: criteria provided, single submitter. Criteria: ACMG Guidelines, 2015. Collection method: clinical testing. Allele origin: germline. Inheritance: Autosomal dominant inheritance. Observed: 1 variant allele, 1 heterozygote.
Comment: This missense variant replaces glutamine with lysine at codon 236 of the MSH6 protein. Computational prediction suggests that this variant may not impact protein structure and function (internally defined REVEL score threshold <= 0.5, PMID: 27666373). To our knowledge, functional studies have not been reported for this variant. This variant has not been reported in individuals affected with MSH6-related disorders in the literature. This variant has not been identified in the general population by the Genome Aggregation Database (gnomAD). The available evidence is insufficient to determine the role of this variant in disease conclusively. Therefore, this variant is classified as a Variant of Uncertain Significance.

This study involves interpretation of variants in research participants for the purpose of population health screening. Participant phenotype was not available at the time of variant classification. Additional details can be found in publication PMID: 35346344, PMCID: PMC8962531

NM_000179.3(MSH6):c.706C>A (p.Gln236Lys)

Gene: MSH6 (mutS homolog 6; plus strand). Cytogenetic location: 2p16.3.
Variant type: single nucleotide variant.
Coding change: c.706C>A on transcript NM_000179.3 (MANE Select); coding-DNA position 706, C replaced by A.
Protein change: p.Gln236Lys; replaces glutamine 236 with lysine.
Molecular consequence: missense variant. On other transcripts: 5 prime UTR variant (2).
Genome position (GRCh38, 1-based): chr2:47,798,689, C>A. VCF-style: chr2-47798689-C-A. GRCh37 (hg19) VCF-style: chr2-48025828-C-A.
Other names: c.316C>A, p.Gln106Lys (NM_001281492.2); c.-201C>A (NM_001281493.2, NM_001281494.2); short protein forms Q106K, Q236K.
Identifiers: ClinVar variation 922073 (VCV000922073.20), dbSNP rs63750996, ClinGen allele CA346739980.